The following is an entry in ClinVar:

ClinVar aggregate classification (germline): Uncertain significance (1 of 4 stars; one submission).

Submission:

GeneDx
Classification: Uncertain significance. Last evaluated: 2024-11-06. Review status: criteria provided, single submitter. Criteria: GeneDx Variant Classification Process June 2021. Collection method: clinical testing. Allele origin: germline.
Comment: Not observed at significant frequency in large population cohorts (gnomAD); In silico analysis supports that this missense variant has a deleterious effect on protein structure/function; Has not been previously published as pathogenic or benign to our knowledge

NM_001904.4(CTNNB1):c.684A>C (p.Leu228Phe)

Genes: CTNNB1 (catenin beta 1; plus strand), LOC126806658 (BRD4-independent group 4 enhancer GRCh37_chr3:41265899-41267098; plus strand). Cytogenetic location: 3p22.1.
Variant type: single nucleotide variant.
Coding change: c.684A>C on transcript NM_001904.4 (MANE Select); coding-DNA position 684, A replaced by C.
Protein change: p.Leu228Phe; replaces leucine 228 with phenylalanine.
Molecular consequence: missense variant.
Genome position (GRCh38, 1-based): chr3:41,225,522, A>C. VCF-style: chr3-41225522-A-C. GRCh37 (hg19) VCF-style: chr3-41267013-A-C.
Other names: c.684A>C, p.Leu228Phe (NM_001098209.2, NM_001098210.2); c.663A>C, p.Leu221Phe (NM_001330729.2); short protein forms L221F, L228F.
Identifiers: ClinVar variation 3368556 (VCV003368556.2).